The following is an entry in ClinVar:

NM_001130009.3(GEN1):c.1669A>C (p.Lys557Gln)

Gene: GEN1 (GEN1 structure-specific endonuclease; plus strand). Cytogenetic location: 2p24.2.
Variant type: single nucleotide variant.
Coding change: c.1669A>C on transcript NM_001130009.3 (MANE Select); coding-DNA position 1669, A replaced by C.
Protein change: p.Lys557Gln; replaces lysine 557 with glutamine.
Molecular consequence: missense variant.
Genome position (GRCh38, 1-based): chr2:17,780,881, A>C. VCF-style: chr2-17780881-A-C. GRCh37 (hg19) VCF-style: chr2-17962148-A-C.
Other names: c.1669A>C, p.Lys557Gln (NM_182625.5); short protein forms K557Q.
Identifiers: ClinVar variation 5022315 (VCV005022315.1).

ClinVar aggregate classification (germline): Uncertain significance (1 of 4 stars; one submission).

Submission:

Ambry Genetics
Classification: Uncertain significance. Last evaluated: 2026-07-29. Review status: criteria provided, single submitter. Criteria: Ambry Variant Classification Scheme 2023. Collection method: clinical testing. Allele origin: germline.
Comment: The p.K557Q variant (also known as c.1669A>C), located in coding exon 13 of the GEN1 gene, results from an A to C substitution at nucleotide position 1669. The lysine at codon 557 is replaced by glutamine, an amino acid with similar properties. This amino acid position is conserved. In addition, this alteration is predicted to be tolerated by in silico analysis. Based on the available evidence, the clinical significance of this variant remains unclear.